The following is an entry in ClinVar:

NM_198271.5(LMOD3):c.1449C>A (p.Asp483Glu)

Gene: LMOD3 (leiomodin 3; minus strand). Cytogenetic location: 3p14.1.
Variant type: single nucleotide variant.
Coding change: c.1449C>A on transcript NM_198271.5 (MANE Select); coding-DNA position 1449, C replaced by A.
Protein change: p.Asp483Glu; replaces aspartic acid 483 with glutamic acid.
Molecular consequence: missense variant.
Genome position (GRCh38, 1-based): chr3:69,118,906, G>T on the plus strand (C>A on the coding strand, the complement: LMOD3 is on the minus strand). VCF-style: chr3-69118906-G-T. GRCh37 (hg19) VCF-style: chr3-69168057-G-T.
Other names: c.1449C>A, p.Asp483Glu (NM_001304418.3); short protein forms D483E.
Identifiers: ClinVar variation 1477870 (VCV001477870.8), dbSNP rs2092390552, ClinGen allele CA353470457.

ClinVar aggregate classification (germline): Uncertain significance (1 of 4 stars; one submission).

Conditions:
Nemaline myopathy 10 (NEM10). Identifiers: MedGen C4015360, MONDO:0014513, OMIM 616165.

Submission:

Labcorp Genetics (formerly Invitae), Labcorp
Classification: Uncertain significance for Nemaline myopathy 10. Last evaluated: 2021-03-16. Review status: criteria provided, single submitter. Criteria: Invitae Variant Classification Sherloc (09022015). Collection method: clinical testing. Allele origin: germline.
Comment: In summary, the available evidence is currently insufficient to determine the role of this variant in disease. Therefore, it has been classified as a Variant of Uncertain Significance. Algorithms developed to predict the effect of missense changes on protein structure and function (SIFT, PolyPhen-2, Align-GVGD) all suggest that this variant is likely to be tolerated, but these predictions have not been confirmed by published functional studies and their clinical significance is uncertain. This variant has not been reported in the literature in individuals with LMOD3-related conditions. This variant is not present in population databases (ExAC no frequency). This sequence change replaces aspartic acid with glutamic acid at codon 483 of the LMOD3 protein (p.Asp483Glu). The aspartic acid residue is moderately conserved and there is a small physicochemical difference between aspartic acid and glutamic acid.